The following is an entry in ClinVar:

ClinVar aggregate classification (germline): Uncertain significance. Review status: criteria provided, multiple submitters, no conflicts (2 of 4 stars). 2 submissions from 2 submitters: Uncertain significance (2). Last evaluated 2025-10-17.

Submissions (2):

Ambry Genetics
Classification: Uncertain significance. Last evaluated: 2025-10-17. Review status: criteria provided, single submitter. Criteria: Ambry Variant Classification Scheme 2023. Collection method: clinical testing. Allele origin: germline.
Comment: The p.L22S variant (also known as c.65T>C), located in coding exon 1 of the GALNT12 gene, results from a T to C substitution at nucleotide position 65. The leucine at codon 22 is replaced by serine, an amino acid with dissimilar properties. This amino acid position is conserved. In addition, this alteration is predicted to be tolerated by in silico analysis. Based on the available evidence, the clinical significance of this variant remains unclear.

Labcorp Genetics (formerly Invitae), Labcorp
Classification: Uncertain significance. Last evaluated: 2024-05-07. Review status: criteria provided, single submitter. Criteria: Invitae Variant Classification Sherloc (09022015). Collection method: clinical testing. Allele origin: germline.
Comment: This sequence change replaces leucine, which is neutral and non-polar, with serine, which is neutral and polar, at codon 22 of the GALNT12 protein (p.Leu22Ser). This variant is not present in population databases (gnomAD no frequency). This variant has not been reported in the literature in individuals affected with GALNT12-related conditions. ClinVar contains an entry for this variant (Variation ID: 844612). An algorithm developed to predict the effect of missense changes on protein structure and function (PolyPhen-2) suggests that this variant is likely to be tolerated. In summary, the available evidence is currently insufficient to determine the role of this variant in disease. Therefore, it has been classified as a Variant of Uncertain Significance.

NM_024642.5(GALNT12):c.65T>C (p.Leu22Ser)

Genes: GALNT12 (polypeptide N-acetylgalactosaminyltransferase 12; plus strand), LOC130002222 (ATAC-STARR-seq lymphoblastoid silent region 20123; plus strand). Cytogenetic location: 9q22.33.
Variant type: single nucleotide variant.
Coding change: c.65T>C on transcript NM_024642.5 (MANE Select); coding-DNA position 65, T replaced by C.
Protein change: p.Leu22Ser; replaces leucine 22 with serine.
Molecular consequence: missense variant.
Genome position (GRCh38, 1-based): chr9:98,807,763, T>C. VCF-style: chr9-98807763-T-C. GRCh37 (hg19) VCF-style: chr9-101570045-T-C.
Other names: short protein forms L22S.
Identifiers: ClinVar variation 844612 (VCV000844612.11), dbSNP rs1835406548, ClinGen allele CA374222167.
Genomic context (GRCh38, chr9:98,807,763, plus strand): 5'-GGGGGCGCACGGCGCGGCGGCGCTGCCCGCGGGAACTGCGGCGCGGCCGGGAGGCGCTGT[T>C]GGTGCTCCTGGCGCTACTGGCGTTGGCCGGGCTGGGCTCGGTGCTGCGGGCGCAGCGTGG-3'
Protein context (NP_078918.3, residues 12-32): RELRRGREAL[Leu22Ser]VLLALLALAG